The following is an entry in ClinVar:

NM_020778.5(ALPK3):c.4768C>T (p.Arg1590Ter)

Gene: ALPK3 (alpha kinase 3; plus strand). Cytogenetic location: 15q25.3.
Variant type: single nucleotide variant.
Coding change: c.4768C>T on transcript NM_020778.5 (MANE Select); coding-DNA position 4768, C replaced by T.
Protein change: p.Arg1590Ter; replaces arginine 1590 with a stop codon.
Molecular consequence: nonsense.
Genome position (GRCh38, 1-based): chr15:84,867,361, C>T. VCF-style: chr15-84867361-C-T. GRCh37 (hg19) VCF-style: chr15-85410592-C-T.
Other names: short protein forms R1792*, R1590*.
Identifiers: ClinVar variation 620214 (VCV000620214.12), dbSNP rs541612157, ClinGen allele CA273634775.
Genomic context (GRCh38, chr15:84,867,361, plus strand): 5'-CTTTCTCTCTTTTCAGGGGTTGACTGGAAGATGACTGATGTGCAGATTGCTACCAAACTC[C>T]GAGGGTGAGTGGTTCTTGGGGACAGAATGCCCTCTGGGCGTCTTCTCAGGGTGTAAAATG-3'

ClinVar aggregate classification (germline): Conflicting classifications of pathogenicity. Review status: criteria provided, conflicting classifications (1 of 4 stars). 7 submissions from 7 submitters: Pathogenic (2); Likely pathogenic (3); Uncertain significance (2). Last evaluated 2026-08-06.

Conditions:
Cardiovascular phenotype. Identifiers: MedGen CN230736.
ALPK3-related disorder. Also called: ALPK3-related condition.
Cardiomyopathy, familial hypertrophic 27. Identifiers: MedGen C4748014, MONDO:0054838, OMIM 618052.

Allele frequency attached by ClinVar (database versions not stated): gnomAD 0.00001; gnomAD exomes 0.00001; TOPMed 0.00001.
gnomAD v4.1: 21 of 1,613,896 alleles (0.0013%); highest among the groups gnomAD compares: Non-Finnish European, 0.0016%; no homozygotes.

Submissions (7):

GeneDx
Classification: Likely pathogenic. Last evaluated: 2026-08-06. Review status: criteria provided, single submitter. Criteria: GeneDx Variant Classification Process June 2021. Collection method: clinical testing. Allele origin: germline.
Comment: Reported in patients with hypertrophic cardiomyopathy in the published literature (PMID: 34263907, 39036505); Nonsense variant predicted to result in protein truncation as the last 116 amino acids are lost; Also known as R1792X; Not observed at significant frequency in large population cohorts (gnomAD); This variant is associated with the following publications: (PMID: 34263907, 39196058, 39036505)

PreventionGenetics, part of Exact Sciences
Classification: Pathogenic for ALPK3-related condition. Last evaluated: 2026-04-04. Review status: criteria provided, single submitter. Criteria: ACMG Guidelines, 2015. Collection method: clinical testing. Allele origin: germline.
Comment: The ALPK3 c.5374C>T variant is predicted to result in premature protein termination (p.Arg1792*). This variant has been reported in an individual with hypertrophic cardiomyopathy (reported as c.4768C>T, p.Arg1590Ter using transcript NM_020778.5 in Supplementary Table 4, Lopes et al. 2021. PubMed ID: 34263907). This variant has not been reported in a large population database (gnomAD), indicating this variant is rare. This variant is interpreted as pathogenic/likely pathogenic in ClinVar (Variation ID: 620214). Nonsense variants in ALPK3 are expected to be pathogenic. This variant is interpreted as pathogenic.

Labcorp Genetics (formerly Invitae), Labcorp
Classification: Pathogenic. Last evaluated: 2025-11-12. Review status: criteria provided, single submitter. Criteria: Invitae Variant Classification Sherloc (09022015). Collection method: clinical testing. Allele origin: germline.
Comment: This sequence change creates a premature translational stop signal (p.Arg1792*) in the ALPK3 gene. While this is not anticipated to result in nonsense mediated decay, it is expected to disrupt the last 116 amino acid(s) of the ALPK3 protein. This variant is not present in population databases (gnomAD no frequency). This premature translational stop signal has been observed in individuals with hypertrophic cardiomyopathy (PMID: 34263907; internal data). This variant is also known as p.Arg1590*. ClinVar contains an entry for this variant (Variation ID: 620214). For these reasons, this variant has been classified as Pathogenic.

Ambry Genetics
Classification: Uncertain significance for Cardiovascular phenotype. Last evaluated: 2025-06-27. Review status: criteria provided, single submitter. Criteria: Ambry Variant Classification Scheme 2023. Collection method: clinical testing. Allele origin: germline.
Comment: The p.R1792* variant (also known as c.5374C>T), located in coding exon 13 of the ALPK3 gene, results from a C to T substitution at nucleotide position 5374. This changes the amino acid from an arginine to a stop codon within coding exon 13. This variant has been reported in association with hypertrophic cardiomyopathy (HCM) (Lopes LR et al. Eur Heart J, 2021 Aug;42:3063-3073; external communication). In an assay testing ALPK3 function, this variant showed a functionally indeterminant result (Jin SC et al. Nat Genet, 2017 Nov;49:1593-1601). This alteration occurs at the 3' terminus of theALPK3 gene, is not expected to trigger nonsense-mediated mRNAdecay, and impacts the last 6% of the protein. The exact functional effect of this alteration is unknown. Based on the available evidence, the clinical significance of this variant remains unclear.

3billion
Classification: Likely pathogenic for Cardiomyopathy, familial hypertrophic 27. Last evaluated: 2024-03-13. Review status: criteria provided, single submitter. Criteria: ACMG Guidelines, 2015. Collection method: clinical testing. Allele origin: germline. Affected: yes.
Comment: The variant is not observed in the gnomAD v2.1.1 dataset. Predicted Consequence/Location: Stop-gained (nonsense): predicted to result in a loss or disruption of normal protein function through protein truncation. The predicted truncated protein may be shortened by less than 10%. The variant has been reported at least twice as pathogenic without evidence for the classification (ClinVar ID: VCV000620214 /PMID: 34263907). Therefore, this variant is classified as Likely pathogenic according to the recommendation of ACMG/AMP guideline.

Blueprint Genetics
Classification: Uncertain significance. Last evaluated: 2024-02-22. Review status: criteria provided, single submitter. Criteria: ACMG Guidelines, 2015. Collection method: clinical testing. Allele origin: germline.

Neuberg Centre For Genomic Medicine, NCGM
Classification: Likely pathogenic for Cardiomyopathy, familial hypertrophic 27. Last evaluated: 2023-03-01. Review status: criteria provided, single submitter. Criteria: ACMG Guidelines, 2015. Collection method: clinical testing. Allele origin: germline. Inheritance: Autosomal recessive inheritance. Affected: yes.
Comment: The stop gained c.4768C>T (p.Arg1590Ter) variant in the ALPK3 gene has not been reported previously as a pathogenic variant nor as a benign variant, to our knowledge. The variant is novel (not in any individuals) in gnomAD Exomes and 1000 Genomes. The variant has been reported to ClinVar as Likely Pathogenic/ Uncertain Significance. This variant is predicted to cause loss of normal protein function through protein truncation. Loss of function variants have been previously reported to be disease causing. The nucleotide change c.4768C>T in ALPK3 is predicted as conserved by GERP++ and PhyloP across 100 vertebrates. For these reasons, this variant has been classified as Likely Pathogenic.

Literature cited by the submitters: PubMed 34263907 (cited by 3 submitters); PubMed 28991257 (cited by Ambry Genetics).